The following is an entry in ClinVar:

ClinVar aggregate classification (germline): Uncertain significance (1 of 4 stars; one submission).

Conditions:
Familial thoracic aortic aneurysm and aortic dissection (TAAD). Also called: Thoracic aortic aneurysms and dissections. Identifiers: Orphanet 91387, MedGen C4707243, MONDO:0019625.

Submission:

Ambry Genetics
Classification: Uncertain significance for Familial thoracic aortic aneurysm and aortic dissection. Last evaluated: 2017-07-25. Review status: criteria provided, single submitter. Criteria: Ambry Variant Classification Scheme 2023. Collection method: clinical testing. Allele origin: germline.
Comment: The p.Q2480* variant (also known as c.7438C>T), located in coding exon 34 of the NOTCH1 gene, results from a C to T substitution at nucleotide position 7438. This changes the amino acid from a glutamine to a stop codon within coding exon 34. Premature stop codons are typically deleterious in nature, however, this stop codon occurs at the 3' terminus of NOTCH1, is not expected to trigger nonsense-mediated mRNA decay, and impacts only the last 76 amino acids of the protein. The exact functional impact of these removed amino acids is unknown at this time. Since supporting evidence is limited at this time, the clinical significance of this alteration remains unclear.

Literature cited by the submitters: PubMed 21642962; PubMed 22077063; PubMed 23860447; PubMed 26820064.

NM_017617.5(NOTCH1):c.7438C>T (p.Gln2480Ter)

Gene: NOTCH1 (notch receptor 1; minus strand). Cytogenetic location: 9q34.3.
Variant type: single nucleotide variant.
Coding change: c.7438C>T on transcript NM_017617.5 (MANE Select); coding-DNA position 7438, C replaced by T.
Protein change: p.Gln2480Ter; replaces glutamine 2480 with a stop codon.
Molecular consequence: nonsense.
Genome position (GRCh38, 1-based): chr9:136,496,301, G>A on the plus strand (C>T on the coding strand, the complement: NOTCH1 is on the minus strand). VCF-style: chr9-136496301-G-A. GRCh37 (hg19) VCF-style: chr9-139390753-G-A.
Other names: c.7438C>T, p.Gln2480Ter (LRG_1122t1); short protein forms Q2480*.
Identifiers: ClinVar variation 520080 (VCV000520080.5), dbSNP rs1554826355, ClinGen allele CA375626291.